The following is an entry in ClinVar:

NM_032043.3(BRIP1):c.1336A>T (p.Ile446Phe)

Gene: BRIP1 (BRCA1 interacting DNA helicase 1; minus strand). Cytogenetic location: 17q23.2.
Variant type: single nucleotide variant.
Coding change: c.1336A>T on transcript NM_032043.3 (MANE Select); coding-DNA position 1336, A replaced by T.
Protein change: p.Ile446Phe; replaces isoleucine 446 with phenylalanine.
Molecular consequence: missense variant.
Genome position (GRCh38, 1-based): chr17:61,799,104, T>A on the plus strand (A>T on the coding strand, the complement: BRIP1 is on the minus strand). VCF-style: chr17-61799104-T-A. GRCh37 (hg19) VCF-style: chr17-59876465-T-A.
Other names: short protein forms I446F.
Identifiers: ClinVar variation 1709278 (VCV001709278.2), dbSNP rs786203496, ClinGen allele CA400483307.

ClinVar aggregate classification (germline): Uncertain significance (1 of 4 stars; one submission).

Conditions:
Familial cancer of breast. Also called: hereditary breast carcinoma; Hereditary breast cancer; BREAST CANCER, FAMILIAL. Identifiers: Orphanet 227535, MedGen C0346153, MONDO:0016419, OMIM 114480. Disease mechanism: loss of function.

Submission:

MGZ Medical Genetics Center
Classification: Uncertain significance for Familial cancer of breast. Last evaluated: 2022-05-04. Review status: criteria provided, single submitter. Criteria: ACMG Guidelines, 2015. Collection method: clinical testing. Allele origin: germline. Affected: yes. Observed: 1 variant allele.
Comment: ACMG criteria applied: PM2_SUP, BP4